The following is an entry in ClinVar:

ClinVar aggregate classification (germline): Uncertain significance (1 of 4 stars; one submission).

Submission:

Labcorp Genetics (formerly Invitae), Labcorp
Classification: Uncertain significance. Last evaluated: 2022-05-19. Review status: criteria provided, single submitter. Criteria: Invitae Variant Classification Sherloc (09022015). Collection method: clinical testing. Allele origin: germline.
Comment: Algorithms developed to predict the effect of missense changes on protein structure and function (SIFT, PolyPhen-2, Align-GVGD) all suggest that this variant is likely to be tolerated. This variant has not been reported in the literature in individuals affected with APOPT1-related conditions. In summary, the available evidence is currently insufficient to determine the role of this variant in disease. Therefore, it has been classified as a Variant of Uncertain Significance. This variant is not present in population databases (gnomAD no frequency). This sequence change replaces isoleucine, which is neutral and non-polar, with threonine, which is neutral and polar, at codon 193 of the APOPT1 protein (p.Ile193Thr).

NM_001370595.2(COA8):c.539T>C (p.Ile180Thr)

Gene: COA8 (cytochrome c oxidase assembly factor 8; plus strand). Cytogenetic location: 14q32.33.
Variant type: single nucleotide variant.
Coding change: c.539T>C on transcript NM_001370595.2 (MANE Select); coding-DNA position 539, T replaced by C.
Protein change: p.Ile180Thr; replaces isoleucine 180 with threonine.
Molecular consequence: missense variant. On other transcripts: 3 prime UTR variant (1), non-coding transcript variant (2).
Genome position (GRCh38, 1-based): chr14:103,590,243, T>C. VCF-style: chr14-103590243-T-C. GRCh37 (hg19) VCF-style: chr14-104056580-T-C.
Other names: c.*93T>C (NM_001302653.2); c.578T>C, p.Ile193Thr (NM_032374.4); short protein forms I180T, I193T.
Identifiers: ClinVar variation 2021006 (VCV002021006.4), dbSNP rs2507526362, ClinGen allele CA391112525.